The following is an entry in ClinVar:

ClinVar aggregate classification (germline): Uncertain significance (1 of 4 stars; one submission).

gnomAD v4.1: 20 of 1,604,100 alleles (0.0012%); highest among the groups gnomAD compares: Admixed American, 0.01%; no homozygotes.

Submission:

Labcorp Genetics (formerly Invitae), Labcorp
Classification: Uncertain significance. Last evaluated: 2025-08-01. Review status: criteria provided, single submitter. Criteria: Invitae Variant Classification Sherloc (09022015). Collection method: clinical testing. Allele origin: germline.
Comment: This sequence change replaces arginine, which is basic and polar, with histidine, which is basic and polar, at codon 1079 of the ZNF687 protein (p.Arg1079His). This variant is present in population databases (rs776454096, gnomAD 0.009%). This variant has not been reported in the literature in individuals affected with ZNF687-related conditions. An algorithm developed to predict the effect of missense changes on protein structure and function (PolyPhen-2) suggests that this variant is likely to be disruptive. In summary, the available evidence is currently insufficient to determine the role of this variant in disease. Therefore, it has been classified as a Variant of Uncertain Significance.

NM_020832.3(ZNF687):c.3236G>A (p.Arg1079His)

Gene: ZNF687 (zinc finger protein 687; plus strand). Cytogenetic location: 1q21.3.
Variant type: single nucleotide variant.
Coding change: c.3236G>A on transcript NM_020832.3 (MANE Select); coding-DNA position 3236, G replaced by A.
Protein change: p.Arg1079His; replaces arginine 1079 with histidine.
Molecular consequence: missense variant.
Genome position (GRCh38, 1-based): chr1:151,290,731, G>A. VCF-style: chr1-151290731-G-A. GRCh37 (hg19) VCF-style: chr1-151263207-G-A.
Other names: c.3236G>A, p.Arg1079His (NM_001304763.2, NM_001304764.2); short protein forms R1079H.
Identifiers: ClinVar variation 4743427 (VCV004743427.1).
Genomic context (GRCh38, chr1:151,290,731, plus strand): 5'-AGTAGGGGTGGTGGTAAGGCCCAGTTTCTTCCACTTTTCTTCAGGGGCCAGGTCGGAAAC[G>A]CCGCCAGTCTTCTGACTCTTGCAGTGAGGAGCCTGACAGCACGACACCGCCAGCCAAGTC-3'
Protein context (NP_065883.1, residues 1069-1089): SARAQGPGRK[Arg1079His]RQSSDSCSEE